The following is an entry in ClinVar:

ClinVar aggregate classification (germline): Uncertain significance (1 of 4 stars; one submission).

Conditions:
PCNT-related disorder. Also called: PCNT-related condition.

Submission:

PreventionGenetics, part of Exact Sciences
Classification: Uncertain significance for PCNT-related condition. Last evaluated: 2025-01-15. Review status: criteria provided, single submitter. Criteria: ACMG Guidelines, 2015. Collection method: clinical testing. Allele origin: germline.
Comment: The PCNT c.4804T>G variant is predicted to result in the amino acid substitution p.Leu1602Val. To our knowledge, this variant has not been reported in the literature or in a large population database (gnomAD), indicating this variant is rare. At this time, the clinical significance of this variant is uncertain due to the absence of conclusive functional and genetic evidence.

NM_006031.6(PCNT):c.4804T>G (p.Leu1602Val)

Gene: PCNT (pericentrin; plus strand). Cytogenetic location: 21q22.3.
Variant type: single nucleotide variant.
Coding change: c.4804T>G on transcript NM_006031.6 (MANE Select); coding-DNA position 4804, T replaced by G.
Protein change: p.Leu1602Val; replaces leucine 1602 with valine.
Molecular consequence: missense variant.
Genome position (GRCh38, 1-based): chr21:46,401,563, T>G. VCF-style: chr21-46401563-T-G. GRCh37 (hg19) VCF-style: chr21-47821477-T-G.
Other names: c.4450T>G, p.Leu1484Val (NM_001315529.2); short protein forms L1602V, L1484V.
Identifiers: ClinVar variation 4977865 (VCV004977865.1).